The following is an entry in ClinVar:

ClinVar aggregate classification (germline): Benign. Review status: criteria provided, multiple submitters, no conflicts (2 of 4 stars). 3 submissions from 3 submitters: Benign (3). Last evaluated 2018-06-26.

Conditions:
Acute infantile liver failure due to synthesis defect of mtDNA-encoded proteins. Also called: Liver failure acute infantile; TRMU Deficiency; LIVER FAILURE, INFANTILE, TRANSIENT. Identifiers: Orphanet 217371, MedGen C3278664, MONDO:0013111, OMIM 613070.

Allele frequency attached by ClinVar (database versions not stated): 1000 Genomes Project 0.19329; 1000 Genomes Project 30x 0.20112; gnomAD exomes 0.15529; TOPMed 0.24159; gnomAD 0.24909 and 0.23789.
gnomAD v4.1: 98,354 of 552,118 alleles (18%); highest among the groups gnomAD compares: African/African-American, 44%; 11,685 homozygotes.

Submissions (3):

GeneDx
Classification: Benign. Last evaluated: 2018-06-26. Review status: criteria provided, single submitter. Criteria: GeneDx Variant Classification Process June 2021. Collection method: clinical testing. Allele origin: germline. Affected: yes.

Illumina Laboratory Services, Illumina
Classification: Benign for Acute infantile liver failure due to synthesis defect of mtDNA-encoded proteins. Last evaluated: 2018-01-13. Review status: criteria provided, single submitter. Criteria: ICSL Variant Classification Criteria 13 December 2019. Collection method: clinical testing. Allele origin: germline.
Comment: This variant was observed in the ICSL laboratory as part of a predisposition screen in an ostensibly healthy population. It had not been previously curated by ICSL or reported in the Human Gene Mutation Database (HGMD: prior to June 1st, 2018), and was therefore a candidate for classification through an automated scoring system. Utilizing variant allele frequency, disease prevalence and penetrance estimates, and inheritance mode, an automated score was calculated to assess if this variant is too frequent to cause the disease. Based on the score and internal cut-off values, a variant classified as benign is not then subjected to further curation. The score for this variant resulted in a classification of benign for this disease.

Breakthrough Genomics
Classification: Benign. Review status: criteria provided, single submitter. Criteria: ACMG Guidelines, 2015. Collection method: not provided. Allele origin: germline. Inheritance: Unknown mechanism. Affected: yes.

NM_018006.5(TRMU):c.*276G>A

Gene: TRMU (tRNA mitochondrial 2-thiouridylase; plus strand). Cytogenetic location: 22q13.31.
Variant type: single nucleotide variant.
Coding change: c.*276G>A on transcript NM_018006.5 (MANE Select); 276 bases downstream of the stop codon, G replaced by A.
Molecular consequence: 3 prime UTR variant. On other transcripts: non-coding transcript variant (2).
Genome position (GRCh38, 1-based): chr22:46,357,282, G>A. VCF-style: chr22-46357282-G-A. GRCh37 (hg19) VCF-style: chr22-46753179-G-A.
Other names: c.*276G>A (NM_001282782.2, NM_001282783.2); c.*328G>A (NM_001282784.2, NM_001282785.2).
Identifiers: ClinVar variation 342028 (VCV000342028.9), dbSNP rs13585, ClinGen allele CA10651478.
Genomic context (GRCh38, chr22:46,357,282, plus strand): 5'-GGGGTGGCCCGAGTTCCCCTTCACCGCCCCCAGGGAGGGTTTCCCACCTCAGAGTACACC[G>A]AGGGGACCTGCAGAGGGGGCTGTCGGGACAGCGTGGAATAAACATTATTTCAAGGACACA-3'